The following is an entry in ClinVar:

ClinVar aggregate classification (germline): Likely benign (1 of 4 stars; one submission).

Allele frequency attached by ClinVar (database versions not stated): gnomAD 0.00001; TOPMed 0.00002.
gnomAD v4.1: 13 of 1,613,152 alleles (0.00081%); highest among the groups gnomAD compares: African/African-American, 0.0013%; no homozygotes.

Submission:

GeneDx
Classification: Likely benign. Last evaluated: 2017-11-30. Review status: criteria provided, single submitter. Criteria: GeneDx Variant Classification (06012015). Collection method: clinical testing. Allele origin: germline. Affected: yes.
Comment: This variant is considered likely benign or benign based on one or more of the following criteria: it is a conservative change, it occurs at a poorly conserved position in the protein, it is predicted to be benign by multiple in silico algorithms, and/or has population frequency not consistent with disease.

NM_001999.4(FBN2):c.5201-6A>G

Gene: FBN2 (fibrillin 2; minus strand). Cytogenetic location: 5q23.3.
Variant type: single nucleotide variant.
Coding change: c.5201-6A>G on transcript NM_001999.4 (MANE Select); 6 bases into the intron before coding-DNA position 5201, A replaced by G.
Molecular consequence: intron variant.
Genome position (GRCh38, 1-based): chr5:128,309,405, T>C on the plus strand (A>G on the coding strand, the complement: FBN2 is on the minus strand). VCF-style: chr5-128309405-T-C. GRCh37 (hg19) VCF-style: chr5-127645097-T-C.
Identifiers: ClinVar variation 513529 (VCV000513529.1), dbSNP rs879942478, ClinGen allele CA126987343.